The following is an entry in ClinVar:

NM_001399.5(EDA):c.821G>A (p.Trp274Ter)

Gene: EDA (ectodysplasin A; plus strand). Cytogenetic location: Xq13.1.
Variant type: single nucleotide variant.
Coding change: c.821G>A on transcript NM_001399.5 (MANE Select); coding-DNA position 821, G replaced by A.
Protein change: p.Trp274Ter; replaces tryptophan 274 with a stop codon.
Molecular consequence: nonsense.
Genome position (GRCh38, 1-based): chrX:70,033,425, G>A. VCF-style: chrX-70033425-G-A. GRCh37 (hg19) VCF-style: chrX-69253275-G-A.
Other names: c.812G>A, p.Trp271Ter (NM_001440761.1, NM_001005612.3); c.821G>A, p.Trp274Ter (NM_001440762.1, NM_001005609.2); short protein forms W271*, W274*.
Identifiers: ClinVar variation 4710788 (VCV004710788.1).

ClinVar aggregate classification (germline): Pathogenic (1 of 4 stars; one submission).

Conditions:
Hypohidrotic X-linked ectodermal dysplasia (XHED). Also called: ECTODERMAL DYSPLASIA, HYPOHIDROTIC, 1; CST SYNDROME; Ectodermal Dysplasia 1, Anhidrotic; ECTODERMAL DYSPLASIA 1; ECTODERMAL DYSPLASIA 1, HYPOHIDROTIC/HAIR/TOOTH TYPE, X-LINKED; Anhidrotic ectodermal dysplasia X-linked. Identifiers: Orphanet 181, Orphanet 238468, MedGen C0162359, MONDO:0010585, OMIM 305100.

Submission:

Labcorp Genetics (formerly Invitae), Labcorp
Classification: Pathogenic for Hypohidrotic X-linked ectodermal dysplasia. Last evaluated: 2026-01-24. Review status: criteria provided, single submitter. Criteria: Invitae Variant Classification Sherloc (09022015). Collection method: clinical testing. Allele origin: germline.
Comment: This sequence change creates a premature translational stop signal (p.Trp274*) in the EDA gene. It is expected to result in an absent or disrupted protein product. Loss-of-function variants in EDA are known to be pathogenic (PMID: 9683615). This variant is not present in population databases (gnomAD no frequency). This premature translational stop signal has been observed in individual(s) with hypohidrotic ectodermal dysplasia (PMID: 23553579). For these reasons, this variant has been classified as Pathogenic.

Literature cited by the submitters: PubMed 9683615; PubMed 23553579.